The following is an entry in ClinVar:

ClinVar aggregate classification (germline): Uncertain significance (1 of 4 stars; one submission).

Allele frequency attached by ClinVar (database versions not stated): gnomAD exomes below 0.00001.
gnomAD v4.1: 1 of 1,481,412 alleles (0.000068%); highest among the groups gnomAD compares: Non-Finnish European, 0.000089%; no homozygotes.

Submission:

Labcorp Genetics (formerly Invitae), Labcorp
Classification: Uncertain significance. Last evaluated: 2023-10-11. Review status: criteria provided, single submitter. Criteria: Invitae Variant Classification Sherloc (09022015). Collection method: clinical testing. Allele origin: germline.
Comment: This sequence change replaces proline, which is neutral and non-polar, with alanine, which is neutral and non-polar, at codon 1104 of the GRIN2D protein (p.Pro1104Ala). This variant is not present in population databases (gnomAD no frequency). This variant has not been reported in the literature in individuals affected with GRIN2D-related conditions. Advanced modeling of protein sequence and biophysical properties (such as structural, functional, and spatial information, amino acid conservation, physicochemical variation, residue mobility, and thermodynamic stability) performed at Invitae indicates that this missense variant is not expected to disrupt GRIN2D protein function. In summary, the available evidence is currently insufficient to determine the role of this variant in disease. Therefore, it has been classified as a Variant of Uncertain Significance.

NM_000836.4(GRIN2D):c.3310C>G (p.Pro1104Ala)

Gene: GRIN2D (glutamate ionotropic receptor NMDA type subunit 2D; plus strand). Cytogenetic location: 19q13.33.
Variant type: single nucleotide variant.
Coding change: c.3310C>G on transcript NM_000836.4 (MANE Select); coding-DNA position 3310, C replaced by G.
Protein change: p.Pro1104Ala; replaces proline 1104 with alanine.
Molecular consequence: missense variant.
Genome position (GRCh38, 1-based): chr19:48,443,236, C>G. VCF-style: chr19-48443236-C-G. GRCh37 (hg19) VCF-style: chr19-48946493-C-G.
Other names: short protein forms P1104A.
Identifiers: ClinVar variation 2996033 (VCV002996033.3), dbSNP rs2513692982, ClinGen allele CA406675544.
Genomic context (GRCh38, chr19:48,443,236, plus strand): 5'-GGCGCAGGCGGAGGAGCCCCGGCCGCTCCGCCCCCGTGCCGCGCCGCGCCGCCCCCGTGC[C>G]CTTACCTCGATCTCGAGCCGTCGCCGTCGGACTCGGAGGACTCGGAGAGCCTGGGCGGCG-3'
Protein context (NP_000827.2, residues 1094-1114): PPCRAAPPPC[Pro1104Ala]YLDLEPSPSD